The following is an entry in ClinVar:

ClinVar aggregate classification (germline): Uncertain significance. Review status: criteria provided, multiple submitters, no conflicts (2 of 4 stars). 4 submissions from 4 submitters: Uncertain significance (4). Last evaluated 2024-05-13.

Allele frequency attached by ClinVar (database versions not stated): gnomAD exomes 0.00009; 1000 Genomes Project 30x 0.00016; gnomAD 0.00017; ESP Exome Variant Server 0.00018; TOPMed 0.00023; ExAC 0.00059.
gnomAD v4.1: 134 of 1,360,296 alleles (0.0099%); highest among the groups gnomAD compares: Admixed American, 0.1%; no homozygotes.

Submissions (4):

Ambry Genetics
Classification: Uncertain significance. Last evaluated: 2024-05-13. Review status: criteria provided, single submitter. Criteria: Ambry Variant Classification Scheme 2023. Collection method: clinical testing. Allele origin: germline.

GeneDx
Classification: Uncertain significance. Last evaluated: 2023-02-28. Review status: criteria provided, single submitter. Criteria: GeneDx Variant Classification Process June 2021. Collection method: clinical testing. Allele origin: germline. Affected: yes.
Comment: In silico analysis supports that this missense variant does not alter protein structure/function; Has not been previously published as pathogenic or benign to our knowledge

Labcorp Genetics (formerly Invitae), Labcorp
Classification: Uncertain significance. Last evaluated: 2022-08-15. Review status: criteria provided, single submitter. Criteria: Invitae Variant Classification Sherloc (09022015). Collection method: clinical testing. Allele origin: germline.
Comment: This sequence change replaces glutamine, which is neutral and polar, with glutamic acid, which is acidic and polar, at codon 537 of the EPS8L2 protein (p.Gln537Glu). This variant is present in population databases (rs377042373, gnomAD 0.1%). This variant has not been reported in the literature in individuals affected with EPS8L2-related conditions. Algorithms developed to predict the effect of missense changes on protein structure and function output the following: SIFT: "Deleterious"; PolyPhen-2: "Possibly Damaging"; Align-GVGD: "Class C0". The glutamic acid amino acid residue is found in multiple mammalian species, which suggests that this missense change does not adversely affect protein function. In summary, the available evidence is currently insufficient to determine the role of this variant in disease. Therefore, it has been classified as a Variant of Uncertain Significance.

Blueprint Genetics
Classification: Uncertain significance. Last evaluated: 2021-07-09. Review status: criteria provided, single submitter. Criteria: ACMG Guidelines, 2015. Collection method: clinical testing. Allele origin: germline.

NM_022772.4(EPS8L2):c.1609C>G (p.Gln537Glu)

Genes: EPS8L2 (EPS8 signaling adaptor L2; plus strand), LOC130005080 (ATAC-STARR-seq lymphoblastoid silent region 3020; plus strand). Cytogenetic location: 11p15.5.
Variant type: single nucleotide variant.
Coding change: c.1609C>G on transcript NM_022772.4 (MANE Select); coding-DNA position 1609, C replaced by G.
Protein change: p.Gln537Glu; replaces glutamine 537 with glutamic acid.
Molecular consequence: missense variant.
Genome position (GRCh38, 1-based): chr11:725,776, C>G. VCF-style: chr11-725776-C-G. GRCh37 (hg19) VCF-style: chr11-725776-C-G.
Other names: c.1609C>G (NM_022772.3); short protein forms Q537E.
Identifiers: ClinVar variation 2075224 (VCV002075224.4), dbSNP rs377042373, ClinGen allele CA5787706.
Genomic context (GRCh38, chr11:725,776, plus strand): 5'-CGCGCCCCGCAGGTGCTGGAGGACGGCCGGCAGTGGTGGAAGCTGCGCAGCCGCAGCGGC[C>G]AGGCGGGGTACGTGCCCTGCAACATCCTAGGCGAGGCGCGACCGGAGGACGCCGGCGCCC-3'
Protein context (NP_073609.2, residues 527-547): QWWKLRSRSG[Gln537Glu]AGYVPCNILG